The following is an entry in ClinVar:

ClinVar aggregate classification (germline): Likely benign (0 of 4 stars; one submission).

Conditions:
ZNF462-related disorder. Also called: ZNF462-related condition; ZNF462 related disease.

Allele frequency attached by ClinVar (database versions not stated): gnomAD exomes below 0.00001; gnomAD 0.00001; TOPMed 0.00001.
gnomAD v4.1: 7 of 1,614,028 alleles (0.00043%); highest among the groups gnomAD compares: East Asian, 0.0045%; no homozygotes.

Submission:

PreventionGenetics, part of Exact Sciences
Classification: Likely benign for ZNF462-related condition. Last evaluated: 2023-11-30. Review status: no assertion criteria provided. Collection method: clinical testing. Allele origin: germline.
Comment: This variant is classified as likely benign based on ACMG/AMP sequence variant interpretation guidelines (Richards et al. 2015 PMID: 25741868, with internal and published modifications).

NM_021224.6(ZNF462):c.5403C>T (p.Ser1801=)

Gene: ZNF462 (zinc finger protein 462; plus strand). Cytogenetic location: 9q31.2.
Variant type: single nucleotide variant.
Coding change: c.5403C>T on transcript NM_021224.6 (MANE Select); coding-DNA position 5403, C replaced by T.
Protein change: p.Ser1801=; no amino-acid change (serine 1801 retained).
Molecular consequence: synonymous variant. On other transcripts: intron variant (1).
Genome position (GRCh38, 1-based): chr9:106,929,315, C>T. VCF-style: chr9-106929315-C-T. GRCh37 (hg19) VCF-style: chr9-109691596-C-T.
Other names: c.3253-1210C>T (NM_001347997.2).
Identifiers: ClinVar variation 3061026 (VCV003061026.2), dbSNP rs1303241839, ClinGen allele CA466415226.